The following is an entry in ClinVar:

ClinVar aggregate classification (germline): Uncertain significance (1 of 4 stars; one submission).

Conditions:
Leber congenital amaurosis 9 (LCA9). Also called: LCA 9; Amaurosis congenita of Leber, type 9; LCA9 Leber Congenital Amaurosis. Identifiers: Orphanet 65, MedGen C1837873, MONDO:0012056, OMIM 608553.

Allele frequency attached by ClinVar (database versions not stated): gnomAD exomes below 0.00001.
gnomAD v4.1: 2 of 1,607,902 alleles (0.00012%); highest among the groups gnomAD compares: South Asian, 0.0011%; no homozygotes.

Submission:

Labcorp Genetics (formerly Invitae), Labcorp
Classification: Uncertain significance for Leber congenital amaurosis 9. Last evaluated: 2024-01-02. Review status: criteria provided, single submitter. Criteria: Invitae Variant Classification Sherloc (09022015). Collection method: clinical testing. Allele origin: germline.
Comment: This sequence change replaces lysine, which is basic and polar, with glutamic acid, which is acidic and polar, at codon 32 of the NMNAT1 protein (p.Lys32Glu). This variant is not present in population databases (gnomAD no frequency). This variant has not been reported in the literature in individuals affected with NMNAT1-related conditions. ClinVar contains an entry for this variant (Variation ID: 1391218). Advanced modeling of protein sequence and biophysical properties (such as structural, functional, and spatial information, amino acid conservation, physicochemical variation, residue mobility, and thermodynamic stability) performed at Invitae indicates that this missense variant is not expected to disrupt NMNAT1 protein function with a negative predictive value of 80%. In summary, the available evidence is currently insufficient to determine the role of this variant in disease. Therefore, it has been classified as a Variant of Uncertain Significance.

NM_022787.4(NMNAT1):c.94A>G (p.Lys32Glu)

Gene: NMNAT1 (nicotinamide nucleotide adenylyltransferase 1; plus strand). Cytogenetic location: 1p36.22.
Variant type: single nucleotide variant.
Coding change: c.94A>G on transcript NM_022787.4 (MANE Select); coding-DNA position 94, A replaced by G.
Protein change: p.Lys32Glu; replaces lysine 32 with glutamic acid.
Molecular consequence: missense variant.
Genome position (GRCh38, 1-based): chr1:9,972,167, A>G. VCF-style: chr1-9972167-A-G. GRCh37 (hg19) VCF-style: chr1-10032225-A-G.
Other names: c.94A>G, p.Lys32Glu (NM_001297778.1, NM_001297779.2); short protein forms K32E.
Identifiers: ClinVar variation 1391218 (VCV001391218.8), dbSNP rs2101693191, ClinGen allele CA338683602.